The following continues an entry in ClinVar:

NM_000053.4(ATP7B):c.3316G>A (p.Val1106Ile)

Gene: ATP7B. ClinVar aggregate classification (germline): Conflicting classifications of pathogenicity. Pathogenic (4); Likely pathogenic (10); Uncertain significance (3).

Submissions 8 to 18 of 18:

Fulgent Genetics
Classification: Likely pathogenic for Wilson disease. Last evaluated: 2024-06-03. Review status: criteria provided, single submitter. Criteria: ACMG Guidelines, 2015. Collection method: clinical testing. Allele origin: germline.

Baylor Genetics
Classification: Likely pathogenic for Wilson disease. Last evaluated: 2024-03-30. Review status: criteria provided, single submitter. Criteria: ACMG Guidelines, 2015. Collection method: clinical testing. Allele origin: unknown.

All of Us Research Program, National Institutes of Health
Classification: Uncertain significance for Wilson disease. Last evaluated: 2024-02-05. Review status: criteria provided, single submitter. Criteria: ACMG Guidelines, 2015. Collection method: clinical testing. Allele origin: germline. Inheritance: Autosomal recessive inheritance. Observed: 7 variant alleles, 7 heterozygotes.
Comment: This missense variant replaces valine with isoleucine at codon 1106 of the ATP7B protein. Computational prediction is inconclusive regarding the impact of this variant on protein structure and function (internally defined REVEL score threshold 0.5 < inconclusive < 0.7, PMID: 27666373). Functional studies have shown that this variant does not impact protein localization in COS-7 cells (PMID: 17587212). In addition, this variant resulted in rescued function of ccc2 knockout yeast cells (PMID: 17587212). However, cells derived from an individual affected with Wilson disease and carrying this variant in the compound heterozygous state showed reduced activity of Cu-ATPase (PMID: 14966923). This variant has been reported in many individuals affected by Wilson disease (PMID: 11405812, 14966923, 21219664, 21796144, 24094725, 24475083, 25089800, 26782526, 26483271, 27022412, 27398169, 26650869, 27982432, 28212618, 28265897, 28515472, 29637721, 29930488, 30702195, 30884209), including a number of cases where this variant was in the compound heterozygous state (PMID: 28212618, 30702195, 30884209). However, several of these individuals carried three ATP7B variants, with at least one report that confirmed this variant was in cis with a known pathogenic variant (PMID: 11405812, 26483271, 27022412, 30884209). This variant has been identified in 36/280988 chromosomes in the general population by the Genome Aggregation Database (gnomAD). The available evidence is insufficient to determine the role of this variant in disease conclusively. Therefore, this variant is classified as a Variant of Uncertain Significance.

This study involves interpretation of variants in research participants for the purpose of population health screening. Participant phenotype was not available at the time of variant classification. Additional details can be found in publication PMID: 35346344, PMCID: PMC8962531

ARUP Laboratories, Molecular Genetics and Genomics, ARUP Laboratories
Classification: Likely pathogenic for Wilson disease. Last evaluated: 2023-12-20. Review status: criteria provided, single submitter. Criteria: ARUP Molecular Germline Variant Investigation Process 2024. Collection method: clinical testing. Allele origin: germline.
Comment: The ATP7B c.3316G>A; p.Val1106Ile variant (rs541208827) is reported in the literature in individuals affected with Wilson disease (Mukherjee 2014, Xiao 2021), including numerous compound heterozygous individuals (Huang 2022, Liu 2004, Qian 2019, Yu 2017, Zhang 2022). In addition, a small case-control study showed an odds ratio (OR) in favor of pathogenicity of approximately 10.5 (95%CI=1.36-79.9, Dong 2016). Functional analyses of the variant protein show no change from wild type in the variant's ability to rescue the delta-ccc2 yeast strain, and the variant protein localized to the same trans-Golgi network in COS-7 cells as wild-type ATP7B (Park 2007). However, lymphocytes from a compound heterozygous carrier showed approximately 45% of normal copper ATPase activity (Liu 2004). This variant is reported in ClinVar (Variation ID: 495414) and is found in the East Asian population with an allele frequency of 0.17% (33/19538 alleles) in the Genome Aggregation Database. Computational analyses are uncertain whether this variant is neutral or deleterious (REVEL: 0.619). Based on available information, this variant is considered to be likely pathogenic. References: Dong Y et al. Spectrum and Classification of ATP7B Variants in a Large Cohort of Chinese Patients with Wilson's Disease Guides Genetic Diagnosis. Theranostics. 2016 Mar 3;6(5):638-49. PMID: 27022412. Huang C et al. Genetic studies discover novel coding and non-coding mutations in patients with Wilson's disease in China. J Clin Lab Anal. 2022 Jun;36(6):e24459. PMID: 35470480. Liu XQ et al. Correlation of ATP7B genotype with phenotype in Chinese patients with Wilson disease. World J Gastroenterol. 2004 Feb 15;10(4):590-3. PMID: 14966923. Mukherjee S et al. Genetic defects in Indian Wilson disease patients and genotype-phenotype correlation. Parkinsonism Relat Disord. 2014 Jan;20(1):75-81. PMID: 24094725. Park S et al. Identification of novel ATP7B gene mutations and their functional roles in Korean patients with Wilson disease. Hum Mutat. 2007 Nov;28(11):1108-13. PMID: 17587212. Qian Z et al. Novel mutations found in the ATP7B gene in Chinese patients with Wilson's disease. Mol Genet Genomic Med. 2019 May;7(5):e649. PMID: 30884209. Xiao Z et al. Molecular analysis of 53 Chinese families with Wilson's disease: Six novel mutations identified. Mol Genet Genomic Med. 2021 Sep;9(9):e1735. PMID: 34324271. Yu H et al. Clinical features and outcome in patients with osseomuscular type of Wilson's disease. BMC Neurol. 2017 Feb 17;17(1):34. PMID: 28212618. Zhang S et al. Clinical and genetic characterization of a large cohort of patients with Wilson's disease in China. Transl Neurodegener. 2022 Feb 28;11(1):13. PMID: 35220961.

Blueprint Genetics
Classification: Likely pathogenic for ATP7B-related disorders. Last evaluated: 2023-10-18. Review status: criteria provided, single submitter. Criteria: ACMG Guidelines, 2015. Collection method: clinical testing. Allele origin: germline. Affected: yes. Observed: 5 variant alleles.

Genetics and Genomic Medicine Centre, NeuroGen Healthcare, NeuroGen Healthcare
Classification: Pathogenic for Wilson disease. Last evaluated: 2022-01-24. Review status: criteria provided, single submitter. Criteria: Submitter's publication. Collection method: clinical testing. Allele origin: unknown. Affected: no.

Genome-Nilou Lab
Classification: Likely pathogenic for Wilson disease. Last evaluated: 2021-08-10. Review status: criteria provided, single submitter. Criteria: ACMG Guidelines, 2015. Collection method: clinical testing. Allele origin: germline. Affected: no.

Illumina Laboratory Services, Illumina
Classification: Likely pathogenic for Wilson disease. Last evaluated: 2018-10-05. Review status: criteria provided, single submitter. Criteria: ICSL Variant Classification Criteria 09 May 2019. Collection method: clinical testing. Allele origin: germline.
Comment: The ATP7B c.3316G>A (p.Val1106Ile) variant is a missense variant that has been widely reported in association with Wilson disease, primarily in individuals of Asian ancestry. Across a selection of the available literature, it was reported in a heterozygous state in at least 25 affected individuals (Wu et al. 2001; Liu et al. 2004; Li et al. 2011; Abuduxikuer et al. 2014; Mukherjee et al. 2014; Tu et al. 2015; Zong and Kong 2015; Dong et al. 2016; Hua et al. 2016; Poon et al. 2016; Yu et al. 2017). The presence and phase of additional variants were not clearly reported in many cases, but at least seven patients were compound heterozygous. In at least one case, the p.Val1106Ile variant was found in cis with a known pathogenic variant. These reports include a small case-control study, which found an OR of 10.44 (95% CI 1.36-79.97, corrected for multiple comparisons) for this variant (Dong et al. 2016). The p.Val1106Ile variant was identified in one out of 663 ethnically matched control individuals and is reported at a frequency of 0.001802 in the East Asian population of the Genome Aggregation Database. Functional studies in COS-7 cells suggested the variant, which is located in the ATP binding domain, does not impair protein localization, and studies in yeast indicated a minor impact on transport function (Park et al. 2007). However, lymphocytes from a compound heterozygous carrier showed ~45% of normal copper ATPase activity (Liu et al. 2004). Based on the collective evidence, the p.Val1106Ile variant is classified as likely pathogenic for Wilson disease. This variant was observed by ICSL as part of a predisposition screen in an ostensibly healthy population.

Juno Genomics, Hangzhou Juno Genomics, Inc
Classification: Likely pathogenic for Wilson disease. Review status: criteria provided, single submitter. Criteria: ACMG Guidelines, 2015. Collection method: clinical testing. Allele origin: germline.
Comment: For recessive disorders, detected in trans with a pathogenic variant.;Patient's phenotype or family history is highly specific for a disease with a single genetic etiology.

Kariminejad - Najmabadi Pathology & Genetics Center
Classification: Likely pathogenic for Wilson disease. Review status: criteria provided, single submitter. Criteria: ACMG Guidelines, 2015. Collection method: clinical testing. Allele origin: germline. Affected: no.

Counsyl
Classification: Likely pathogenic for Wilson disease. Last evaluated: 2018-05-25. Review status: no assertion criteria provided. Collection method: clinical testing. Allele origin: unknown. Not counted in ClinVar's aggregate classification.

Literature cited by the submitters: PubMed 11405812 (cited by 5 submitters); PubMed 14966923 (cited by 7 submitters); PubMed 21796144 (cited by 4 submitters); PubMed 22692182 (cited by 3 submitters); PubMed 21219664 (cited by 5 submitters); PubMed 21645214 (cited by 3 submitters); PubMed 17587212 (cited by 6 submitters); PubMed 24094725 (cited by 6 submitters); PubMed 25089800 (cited by 4 submitters); PubMed 27022412 (cited by 6 submitters); PubMed 27398169 (cited by 6 submitters); PubMed 24475083 (cited by 6 submitters); PubMed 26483271 (cited by 8 submitters); PubMed 26782526 (cited by 4 submitters); PubMed 27982432 (cited by 5 submitters); PubMed 28212618 (cited by 7 submitters); PubMed 28515472 (cited by 3 submitters); PubMed 30702195 (cited by 5 submitters); PubMed 30884209 (cited by 4 submitters); PubMed 29930488 (cited by 3 submitters); PubMed 29637721 (cited by 3 submitters); PubMed 28265897 (cited by 3 submitters); PubMed 34324271 (cited by 3 submitters); PubMed 32901917 (cited by Women's Health and Genetics/Laboratory Corporation of America, LabCorp and Mayo Clinic Laboratories, Mayo Clinic); PubMed 30655162 (cited by Mayo Clinic Laboratories, Mayo Clinic); PubMed 31096464 (cited by Mayo Clinic Laboratories, Mayo Clinic); PubMed 31796634 (cited by Mayo Clinic Laboratories, Mayo Clinic); PubMed 33640437 (cited by Mayo Clinic Laboratories, Mayo Clinic); PubMed 33879678 (cited by Mayo Clinic Laboratories, Mayo Clinic and Natera, Inc.); PubMed 34240825 (cited by Mayo Clinic Laboratories, Mayo Clinic); PubMed 34404389 (cited by Mayo Clinic Laboratories, Mayo Clinic); PubMed 34621001 (cited by Mayo Clinic Laboratories, Mayo Clinic); PubMed 35220961 (cited by Mayo Clinic Laboratories, Mayo Clinic); PubMed 35222532 (cited by Mayo Clinic Laboratories, Mayo Clinic); PubMed 35357466 (cited by Mayo Clinic Laboratories, Mayo Clinic); PubMed 35470480 (cited by Mayo Clinic Laboratories, Mayo Clinic); PubMed 35535059 (cited by Mayo Clinic Laboratories, Mayo Clinic); PubMed 35538921 (cited by Mayo Clinic Laboratories, Mayo Clinic); PubMed 36253962 (cited by Mayo Clinic Laboratories, Mayo Clinic); PubMed 37681011 (cited by Mayo Clinic Laboratories, Mayo Clinic); PubMed 39267050 (cited by Mayo Clinic Laboratories, Mayo Clinic); PubMed 40257477 (cited by Mayo Clinic Laboratories, Mayo Clinic); PubMed 40620501 (cited by Mayo Clinic Laboratories, Mayo Clinic); PubMed 40661833 (cited by Mayo Clinic Laboratories, Mayo Clinic); PubMed 26650869 (cited by 3 submitters); PubMed 34470610 (cited by Color Diagnostics, LLC DBA Color Health); PubMed 35245129 (cited by Color Diagnostics, LLC DBA Color Health); PubMed 36872857 (cited by Color Diagnostics, LLC DBA Color Health); PubMed 37031186 (cited by Color Diagnostics, LLC DBA Color Health); PubMed 37798098 (cited by Color Diagnostics, LLC DBA Color Health); PubMed 39719440 (cited by Color Diagnostics, LLC DBA Color Health).